The following is an entry in ClinVar:

NM_001127222.2(CACNA1A):c.6283C>T (p.Arg2095Cys)

Gene: CACNA1A (calcium voltage-gated channel subunit alpha1 A; minus strand). Cytogenetic location: 19p13.13.
Variant type: single nucleotide variant.
Coding change: c.6283C>T on transcript NM_001127222.2 (MANE Select); coding-DNA position 6283, C replaced by T.
Protein change: p.Arg2095Cys; replaces arginine 2095 with cysteine.
Molecular consequence: missense variant.
Genome position (GRCh38, 1-based): chr19:13,212,123, G>A on the plus strand (C>T on the coding strand, the complement: CACNA1A is on the minus strand). VCF-style: chr19-13212123-G-A. GRCh37 (hg19) VCF-style: chr19-13322937-G-A.
Other names: c.6301C>T, p.Arg2101Cys (NM_000068.4, NM_023035.3); c.6286C>T, p.Arg2096Cys (NM_001127221.2); c.6292C>T, p.Arg2098Cys (NM_001174080.2); short protein forms R2095C, R2096C, R2098C, R2101C.
Identifiers: ClinVar variation 3763635 (VCV003763635.2).
Genomic context (GRCh38, chr19:13,212,123, plus strand): 5'-GTGAGGGGTCCAGCCCCAGGGCAGTGGTGAAAGCCCTCACCTGGTTCTCTGCAGGGAGGC[G>A]GGGCATGGAGGCAGCCCGGCCCTGGCCTTCCATGGGGAGGTAGTGCTCGCTGTCGGAGTA-3'
Protein context (NP_001120694.1, residues 2085-2105): EGQGRAASMP[Arg2095Cys]LPAENQRRRG

ClinVar aggregate classification (germline): Uncertain significance (1 of 4 stars; one submission).

Conditions:
Episodic ataxia type 2 (EA2). Also called: ATAXIA, EPISODIC, WITH NYSTAGMUS; ATAXIA, FAMILIAL PAROXYSMAL; ACETAZOLAMIDE-RESPONSIVE HEREDITARY PAROXYSMAL CEREBELLAR ATAXIA; CEREBELLAR ATAXIA, PAROXYSMAL, ACETAZOLAMIDE-RESPONSIVE; CEREBELLOPATHY, HEREDITARY PAROXYSMAL; EPISODIC ATAXIA, NYSTAGMUS-ASSOCIATED. Identifiers: Orphanet 97, MedGen C1720416, MONDO:0007163, OMIM 108500.
Developmental and epileptic encephalopathy, 42 (DEE42A). Also called: Epileptic encephalopathy, early infantile, 42; DEVELOPMENTAL AND EPILEPTIC ENCEPHALOPATHY 42A; EPILEPTIC ENCEPHALOPATHY, EARLY INFANTILE, 42A. Identifiers: MedGen C4310716, MONDO:0014917, OMIM 617106.

gnomAD v4.1: 2 of 1,611,946 alleles (0.00012%); highest among the groups gnomAD compares: Non-Finnish European, 0.00017%; no homozygotes.

Submission:

Labcorp Genetics (formerly Invitae), Labcorp
Classification: Uncertain significance for Developmental and epileptic encephalopathy, 42; Episodic ataxia type 2. Last evaluated: 2024-08-27. Review status: criteria provided, single submitter. Criteria: Invitae Variant Classification Sherloc (09022015). Collection method: clinical testing. Allele origin: germline.
Comment: This sequence change replaces arginine, which is basic and polar, with cysteine, which is neutral and slightly polar, at codon 2096 of the CACNA1A protein (p.Arg2096Cys). This variant is present in population databases (rs775827111, gnomAD 0.005%). This variant has not been reported in the literature in individuals affected with CACNA1A-related conditions. Invitae Evidence Modeling of protein sequence and biophysical properties (such as structural, functional, and spatial information, amino acid conservation, physicochemical variation, residue mobility, and thermodynamic stability) has been performed for this missense variant. However, the output from this modeling did not meet the statistical confidence thresholds required to predict the impact of this variant on CACNA1A protein function. In summary, the available evidence is currently insufficient to determine the role of this variant in disease. Therefore, it has been classified as a Variant of Uncertain Significance.